The following is an entry in ClinVar:

ClinVar aggregate classification (germline): Uncertain significance (1 of 4 stars; one submission).

Conditions:
Left ventricular noncompaction 8 (LVNC8). Identifiers: Orphanet 154, Orphanet 54260, MedGen C3809288, MONDO:0014152, OMIM 615373.

Submission:

Labcorp Genetics (formerly Invitae), Labcorp
Classification: Uncertain significance for Left ventricular noncompaction 8. Last evaluated: 2023-10-13. Review status: criteria provided, single submitter. Criteria: Invitae Variant Classification Sherloc (09022015). Collection method: clinical testing. Allele origin: germline.
Comment: This sequence change replaces phenylalanine, which is neutral and non-polar, with leucine, which is neutral and non-polar, at codon 579 of the PRDM16 protein (p.Phe579Leu). This variant is not present in population databases (gnomAD no frequency). This variant has not been reported in the literature in individuals affected with PRDM16-related conditions. ClinVar contains an entry for this variant (Variation ID: 1508669). Algorithms developed to predict the effect of missense changes on protein structure and function output the following: SIFT: "Not Available"; PolyPhen-2: "Benign"; Align-GVGD: "Not Available". The leucine amino acid residue is found in multiple mammalian species, which suggests that this missense change does not adversely affect protein function. In summary, the available evidence is currently insufficient to determine the role of this variant in disease. Therefore, it has been classified as a Variant of Uncertain Significance.

NM_022114.4(PRDM16):c.1737C>A (p.Phe579Leu)

Gene: PRDM16 (PR/SET domain 16; plus strand). Cytogenetic location: 1p36.32.
Variant type: single nucleotide variant.
Coding change: c.1737C>A on transcript NM_022114.4 (MANE Select); coding-DNA position 1737, C replaced by A.
Protein change: p.Phe579Leu; replaces phenylalanine 579 with leucine.
Molecular consequence: missense variant.
Genome position (GRCh38, 1-based): chr1:3,411,934, C>A. VCF-style: chr1-3411934-C-A. GRCh37 (hg19) VCF-style: chr1-3328498-C-A.
Other names: c.1737C>A, p.Phe579Leu (NM_199454.3); short protein forms F579L.
Identifiers: ClinVar variation 1508669 (VCV001508669.8), dbSNP rs35579804, ClinGen allele CA337998824.